The following is an entry in ClinVar:

NM_133259.4(LRPPRC):c.907del (p.Arg303fs)

Gene: LRPPRC (leucine rich pentatricopeptide repeat containing; minus strand). Cytogenetic location: 2p21.
Variant type: Deletion.
Coding change: c.907del on transcript NM_133259.4 (MANE Select); coding-DNA position 907, one base deleted (C; older notation c.907delC).
Protein change: p.Arg303fs; shifts the reading frame from arginine 303.
Molecular consequence: frameshift variant.
Genome position (GRCh38, 1-based): chr2:43,974,716, G deleted on the plus strand (C on the coding strand, the reverse complement: LRPPRC is on the minus strand); the first of 2 consecutive G bases (chr2:43,974,716-43,974,717); deleting either gives the same sequence. VCF-style (leftmost placement, unchanged base first): chr2-43974715-CG-C. GRCh37 (hg19) VCF-style: chr2-44201854-CG-C.
Other names: short protein forms R303fs.
Identifiers: ClinVar variation 4816498 (VCV004816498.1).

ClinVar aggregate classification (germline): Likely pathogenic (1 of 4 stars; one submission).

Conditions:
Congenital lactic acidosis, Saguenay-Lac-Saint-Jean type (MC4DN5). Also called: CYTOCHROME c OXIDASE DEFICIENCY, FRENCH CANADIAN TYPE; COX DEFICIENCY, FRENCH CANADIAN TYPE; MITOCHONDRIAL COMPLEX IV DEFICIENCY, NUCLEAR TYPE 5. Identifiers: Orphanet 70472, MedGen C1857355, MONDO:0009069, OMIM 220111.

Submission:

Natera, Inc.
Classification: Likely pathogenic for French-Canadian type Leigh syndrome. Last evaluated: 2024-07-01. Review status: criteria provided, single submitter. Criteria: Natera Variant Classification Schema (03/2026). Collection method: clinical testing. Allele origin: germline.
Comment: The c.907del variant in LRPPRC is a frameshift variant predicted to shift the reading frame beginning at codon 303 and leads to a stop codon 37 codons downstream. This variant is expected to result in nonsense mediated decay, truncation, or a dysfunctional protein product. This variant is rare in the general population with a frequency below the threshold expected for the associated phenotype(s). Given the available evidence, this variant is classified as Likely Pathogenic.